The following is an entry in ClinVar:

NM_001848.3(COL6A1):c.1236+5G>C

Gene: COL6A1 (collagen type VI alpha 1 chain; plus strand). Cytogenetic location: 21q22.3.
Variant type: single nucleotide variant.
Coding change: c.1236+5G>C on transcript NM_001848.3 (MANE Select); 5 bases into the intron after coding-DNA position 1236, G replaced by C.
Molecular consequence: intron variant.
Genome position (GRCh38, 1-based): chr21:45,992,222, G>C. VCF-style: chr21-45992222-G-C. GRCh37 (hg19) VCF-style: chr21-47412136-G-C.
Identifiers: ClinVar variation 1482532 (VCV001482532.6), dbSNP rs376327142, ClinGen allele CA2573157634.
Genomic context (GRCh38, chr21:45,992,222, plus strand): 5'-AGGGCCAGCCGGGAGAGCCTGGGCCCCCCGGAGAGAAAGGAGAGGCGGGCGACGAGGTGA[G>C]TGAGGGCTCCTGACACCTTCCTGGGGAAGTGCATGGCCTCAGCTTCTGATCCTCTTTGCT-3'

ClinVar aggregate classification (germline): Uncertain significance (1 of 4 stars; one submission).

Conditions:
Bethlem myopathy 1A. Also called: Bethlem myopathy 1; Bethlem Muscular Dystrophy; MYOPATHY, BENIGN CONGENITAL, WITH CONTRACTURES. Identifiers: Orphanet 610, MedGen CN029274, MONDO:0024530, OMIM 158810.

Submission:

Labcorp Genetics (formerly Invitae), Labcorp
Classification: Uncertain significance for Bethlem myopathy 1A. Last evaluated: 2021-06-09. Review status: criteria provided, single submitter. Criteria: Invitae Variant Classification Sherloc (09022015). Collection method: clinical testing. Allele origin: germline.
Comment: In summary, the available evidence is currently insufficient to determine the role of this variant in disease. Therefore, it has been classified as a Variant of Uncertain Significance. Nucleotide substitutions within the consensus splice site are a relatively common cause of aberrant splicing (PMID: 17576681, 9536098). Algorithms developed to predict the effect of sequence changes on RNA splicing suggest that this variant may disrupt the consensus splice site, but this prediction has not been confirmed by published transcriptional studies. This variant has not been reported in the literature in individuals with COL6A1-related conditions. This variant is not present in population databases (ExAC no frequency). This sequence change falls in intron 17 of the COL6A1 gene. It does not directly change the encoded amino acid sequence of the COL6A1 protein. It affects a nucleotide within the consensus splice site of the intron.

Literature cited by the submitters: PubMed 17576681; PubMed 9536098.